The following is an entry in ClinVar:

ClinVar aggregate classification (germline): Uncertain significance (1 of 4 stars; one submission).

Conditions:
Cardiovascular phenotype. Identifiers: MedGen CN230736.

Allele frequency attached by ClinVar (database versions not stated): gnomAD exomes 0.00001.
gnomAD v4.1: 12 of 1,614,024 alleles (0.00074%); highest among the groups gnomAD compares: Non-Finnish European, 0.00076%; no homozygotes.

Submission:

Ambry Genetics
Classification: Uncertain significance for Cardiovascular phenotype. Last evaluated: 2022-10-02. Review status: criteria provided, single submitter. Criteria: Ambry Variant Classification Scheme 2023. Collection method: clinical testing. Allele origin: germline.
Comment: The p.L2396V variant (also known as c.7186C>G), located in coding exon 31 of the AKAP9 gene, results from a C to G substitution at nucleotide position 7186. The leucine at codon 2396 is replaced by valine, an amino acid with highly similar properties. This amino acid position is conserved. In addition, this alteration is predicted to be tolerated by in silico analysis. Since supporting evidence is limited at this time, the clinical significance of this alteration remains unclear.

NM_005751.5(AKAP9):c.7186C>G (p.Leu2396Val)

Gene: AKAP9 (A-kinase anchoring protein 9; plus strand). Cytogenetic location: 7q21.2.
Variant type: single nucleotide variant.
Coding change: c.7186C>G on transcript NM_005751.5 (MANE Select); coding-DNA position 7186, C replaced by G.
Protein change: p.Leu2396Val; replaces leucine 2396 with valine.
Molecular consequence: missense variant.
Genome position (GRCh38, 1-based): chr7:92,079,319, C>G. VCF-style: chr7-92079319-C-G. GRCh37 (hg19) VCF-style: chr7-91708633-C-G.
Other names: c.1831C>G, p.Leu611Val (NM_001379277.1); c.7162C>G, p.Leu2388Val (NM_147185.3); short protein forms L2396V, L611V, L2388V.
Identifiers: ClinVar variation 1757561 (VCV001757561.2), dbSNP rs1166104018, ClinGen allele CA368135162.
Genomic context (GRCh38, chr7:92,079,319, plus strand): 5'-TCCCTCTCAGAAGAAGCAGACAGTTTAAAACATCAATTGGATGTGGTTATAGCTGAAAAG[C>G]TGGCCTTGGAACAGCAAGTAGAAACCGCTAATGAAGAAATGACCTTCATGAAAAATGTAC-3'
Protein context (NP_005742.4, residues 2386-2406): HQLDVVIAEK[Leu2396Val]ALEQQVETAN